The following is an entry in ClinVar:

ClinVar aggregate classification (germline): Conflicting classifications of pathogenicity. Review status: criteria provided, conflicting classifications (1 of 4 stars). 2 submissions from 2 submitters: Likely pathogenic (1); Uncertain significance (1). Last evaluated 2022-01-03.

Conditions:
Ectrodactyly, ectodermal dysplasia, and cleft lip-palate syndrome 3. Also called: Ectrodactyly, Ectodermal Dysplasia, Clefting Syndrome; Ectrodactyly, Ectodermal Dysplasia, Cleft Lip/Palate Syndrome 3 (EEC3); Ectrodactyly, Ectodermal Dysplasia, Clefting Syndrome Type 3 (EEC3); EEC SYNDROME 3. Identifiers: Orphanet 1896, MedGen C1858562, MONDO:0011428, OMIM 604292.
ADULT syndrome. Also called: Acro-Dermo-Ungual-Lacrimal-Tooth Syndrome (ADULT Syndrome); Acro-dermato-ungual-lacrimal-tooth (adult) syndrome; ACRO-DERMATO-UNGUAL-LACRIMAL-TOOTH SYNDROME. Identifiers: Orphanet 978, MedGen C1863204, MONDO:0007072, OMIM 103285.

Submissions (2):

3billion
Classification: Uncertain significance for Ectrodactyly, ectodermal dysplasia, and cleft lip-palate syndrome 3. Last evaluated: 2022-01-03. Review status: criteria provided, single submitter. Criteria: ACMG Guidelines, 2015. Collection method: clinical testing. Allele origin: germline. Affected: yes. Observed: 1 heterozygote.
Comment: The variant not observed in the gnomAD v2.1.1 dataset (PM2_M). In silico tool predictions suggest damaging effect of the variant on gene or gene product (REVEL: 0.843, 3CNET: 0.977, PP3_P). A missense variant is a common mechanism associated with Ectrodactyly (PP2_P). Therefore, this variant is classified as uncertain significance according to the recommendation of ACMG/AMP guideline.

Foundation for Research in Genetics and Endocrinology, FRIGE's Institute of Human Genetics
Classification: Likely pathogenic for ADULT syndrome; Ectrodactyly, ectodermal dysplasia, and cleft lip-palate syndrome 3. Last evaluated: 2020-12-04. Review status: criteria provided, single submitter. Criteria: ACMG Guidelines, 2015. Collection method: clinical testing. Allele origin: germline. Inheritance: Autosomal dominant inheritance. Affected: yes. Observed: 1 heterozygote.
Comment: A homozygous missense variant in exon 6 of the TP63 gene that results in the amino acid substitution of Lysine for Glutamic acid at codon 268 was detected. The observed variant c.802G>A (p.Glu268Lys) lies in the P53 DNA-binding domain of the TP63 protein and has previously reported in patients affected with ankyloblepharon-ectodermal dysplasia clefting (Alexia et al. 2019). The variant has not been reported in the 1000 genomes and gnomAD databases. The in silico prediction of the variant is possibly damaging by PolyPhen-2 (HumDiv) and damaging by SIFT, LRT, and MutationTaster2. The reference codon is conserved across species. In summary, the variant meets our criteria to be classified as likely pathogenic.

NM_003722.5(TP63):c.802G>A (p.Glu268Lys)

Gene: TP63 (tumor protein p63; plus strand). Cytogenetic location: 3q28.
Variant type: single nucleotide variant.
Coding change: c.802G>A on transcript NM_003722.5 (MANE Select); coding-DNA position 802, G replaced by A.
Protein change: p.Glu268Lys; replaces glutamic acid 268 with lysine.
Molecular consequence: missense variant.
Genome position (GRCh38, 1-based): chr3:189,866,717, G>A. VCF-style: chr3-189866717-G-A. GRCh37 (hg19) VCF-style: chr3-189584506-G-A.
Other names: p.Glu268Lys; c.802G>A, p.Glu268Lys (NM_001114978.2, NM_001114979.2, NM_001329144.2 and 1 more transcripts); c.520G>A, p.Glu174Lys (NM_001114980.2, NM_001114981.2, NM_001114982.2 and 2 more transcripts); c.265G>A, p.Glu89Lys (NM_001329146.2, NM_001329150.2); c.796G>A, p.Glu266Lys (NM_001329964.2); short protein forms E174K, E266K, E268K, E89K.
Identifiers: ClinVar variation 1333323 (VCV001333323.4), dbSNP rs2108801803, ClinGen allele CA355754434.